The following is an entry in ClinVar:

ClinVar aggregate classification (germline): Uncertain significance (1 of 4 stars; one submission).

Conditions:
Anemia, nonspherocytic hemolytic, due to G6PD deficiency (CNSHA1). Also called: Hemolytic anemia due to G6PD deficiency; ANEMIA, CONGENITAL, NONSPHEROCYTIC HEMOLYTIC, 1; Class I glucose-6-phosphate dehydrogenase deficiency; Favism, susceptibility to. Identifiers: Orphanet 466026, MedGen C2720289, MONDO:0010480, OMIM 300908.

Submission:

Labcorp Genetics (formerly Invitae), Labcorp
Classification: Uncertain significance for Anemia, nonspherocytic hemolytic, due to G6PD deficiency. Last evaluated: 2025-10-01. Review status: criteria provided, single submitter. Criteria: Invitae Variant Classification Sherloc (09022015). Collection method: clinical testing. Allele origin: germline.
Comment: This sequence change falls in intron 8 of the G6PD gene. It does not directly change the encoded amino acid sequence of the G6PD protein. It affects a nucleotide within the consensus splice site. This variant is not present in population databases (gnomAD no frequency). This variant has not been reported in the literature in individuals affected with G6PD-related conditions. Variants that disrupt the consensus splice site are a relatively common cause of aberrant splicing (PMID: 17576681, 9536098). Algorithms developed to predict the effect of sequence changes on RNA splicing suggest that this variant is not likely to affect RNA splicing. In summary, the available evidence is currently insufficient to determine the role of this variant in disease. Therefore, it has been classified as a Variant of Uncertain Significance.

Literature cited by the submitters: PubMed 17576681; PubMed 9536098.

NM_001360016.2(G6PD):c.864+6G>C

Gene: G6PD (glucose-6-phosphate dehydrogenase; minus strand). Cytogenetic location: Xq28.
Variant type: single nucleotide variant.
Coding change: c.864+6G>C on transcript NM_001360016.2 (MANE Select); 6 bases into the intron after coding-DNA position 864, G replaced by C.
Molecular consequence: intron variant.
Genome position (GRCh38, 1-based): chrX:154,533,570, C>G on the plus strand (G>C on the coding strand, the complement: G6PD is on the minus strand). VCF-style: chrX-154533570-C-G. GRCh37 (hg19) VCF-style: chrX-153761785-C-G.
Other names: c.954+6G>C (NM_000402.4); c.864+6G>C (NM_001042351.3).
Identifiers: ClinVar variation 4695905 (VCV004695905.1).